The following is an entry in ClinVar:

NM_001283009.2(RTEL1):c.3761C>T (p.Pro1254Leu)

Genes: RTEL1 (regulator of telomere elongation helicase 1; plus strand), RTEL1-TNFRSF6B (RTEL1-TNFRSF6B readthrough (NMD candidate); plus strand). Cytogenetic location: 20q13.33.
Variant type: single nucleotide variant.
Coding change: c.3761C>T on transcript NM_001283009.2 (MANE Select); coding-DNA position 3761, C replaced by T.
Protein change: p.Pro1254Leu; replaces proline 1254 with leucine.
Molecular consequence: missense variant. On other transcripts: non-coding transcript variant (1), intron variant (3).
Genome position (GRCh38, 1-based): chr20:63,695,589, C>T. VCF-style: chr20-63695589-C-T. GRCh37 (hg19) VCF-style: chr20-62326942-C-T.
Other names: c.2983+109C>T (NM_001283010.1); c.3724+109C>T (NM_032957.5); c.3652+109C>T (NM_016434.4); short protein forms P1254L.
Identifiers: ClinVar variation 3761925 (VCV003761925.3).

ClinVar aggregate classification (germline): Conflicting classifications of pathogenicity. Review status: criteria provided, conflicting classifications (1 of 4 stars). 2 submissions from 2 submitters: Uncertain significance (1); Likely benign (1). Last evaluated 2025-08-21.

Conditions:
Dyskeratosis congenita, autosomal recessive 5 (DKCB5). Identifiers: MedGen C3554656, MONDO:0014076, OMIM 615190.
Pulmonary fibrosis and/or bone marrow failure, Telomere-related, 3. Also called: PULMONARY FIBROSIS AND/OR BONE MARROW FAILURE SYNDROME, TELOMERE-RELATED, 3. Identifiers: Orphanet 2032, MedGen C4225346, MONDO:0014613, OMIM 616373.
Inborn genetic diseases. Identifiers: MedGen C0950123, MeSH D030342.

gnomAD v4.1: 3 of 1,611,972 alleles (0.00019%); highest among the groups gnomAD compares: African/African-American, 0.0013%; no homozygotes.

Submissions (2):

Ambry Genetics
Classification: Likely benign for Inborn genetic diseases. Last evaluated: 2025-08-21. Review status: criteria provided, single submitter. Criteria: Ambry Variant Classification Scheme 2023. Collection method: clinical testing. Allele origin: germline.

Labcorp Genetics (formerly Invitae), Labcorp
Classification: Uncertain significance for Dyskeratosis congenita, autosomal recessive 5; Pulmonary fibrosis and/or bone marrow failure, Telomere-related, 3. Last evaluated: 2024-08-31. Review status: criteria provided, single submitter. Criteria: Invitae Variant Classification Sherloc (09022015). Collection method: clinical testing. Allele origin: germline.
Comment: This sequence change replaces proline, which is neutral and non-polar, with leucine, which is neutral and non-polar, at codon 1254 of the RTEL1 protein (p.Pro1254Leu). This variant is not present in population databases (gnomAD no frequency). This variant has not been reported in the literature in individuals affected with RTEL1-related conditions. An algorithm developed to predict the effect of missense changes on protein structure and function (PolyPhen-2) suggests that this variant is likely to be tolerated. In summary, the available evidence is currently insufficient to determine the role of this variant in disease. Therefore, it has been classified as a Variant of Uncertain Significance.